The following is an entry in ClinVar:

NM_001205019.2(GK):c.745G>A (p.Val249Met)

Gene: GK (glycerol kinase; plus strand). Cytogenetic location: Xp21.2.
Variant type: single nucleotide variant.
Coding change: c.745G>A on transcript NM_001205019.2 (MANE Select); coding-DNA position 745, G replaced by A.
Protein change: p.Val249Met; replaces valine 249 with methionine.
Molecular consequence: missense variant. On other transcripts: non-coding transcript variant (4), intron variant (3).
Genome position (GRCh38, 1-based): chrX:30,697,747, G>A. VCF-style: chrX-30697747-G-A. GRCh37 (hg19) VCF-style: chrX-30715864-G-A.
Other names: c.745G>A, p.Val249Met (NM_203391.4); c.813+1064G>A (NM_001399987.1); c.729+1064G>A (NM_001128127.3, NM_000167.6); short protein forms V249M.
Identifiers: ClinVar variation 3025272 (VCV003025272.22), dbSNP rs754224318, ClinGen allele CA10376769.

ClinVar aggregate classification (germline): Likely benign (1 of 4 stars; one submission).

Allele frequency attached by ClinVar (database versions not stated): ExAC 0.00001; gnomAD 0.00007.
gnomAD v4.1: 25 of 1,160,838 alleles (0.0022%); highest among the groups gnomAD compares: Admixed American, 0.015%; no homozygotes.

Submission:

CeGaT Center for Human Genetics Tuebingen
Classification: Likely benign. Last evaluated: 2024-01-01. Review status: criteria provided, single submitter. Criteria: CeGaT Center For Human Genetics Tuebingen Variant Classification Criteria Version 2. Collection method: clinical testing. Allele origin: germline. Affected: yes. Observed: 1 variant allele.
Comment: GK: PP2, BP4, BS2